The following is an entry in ClinVar:

NM_000038.6(APC):c.1687T>A (p.Leu563Met)

Gene: APC (APC regulator of Wnt signaling pathway; plus strand). Cytogenetic location: 5q22.2.
Variant type: single nucleotide variant.
Coding change: c.1687T>A on transcript NM_000038.6 (MANE Select); coding-DNA position 1687, T replaced by A.
Protein change: p.Leu563Met; replaces leucine 563 with methionine.
Molecular consequence: missense variant.
Genome position (GRCh38, 1-based): chr5:112,828,916, T>A. VCF-style: chr5-112828916-T-A. GRCh37 (hg19) VCF-style: chr5-112164613-T-A.
Other names: c.1510T>A, p.Leu504Met (NM_001354901.2, NM_001407453.1); c.1414T>A, p.Leu472Met (NM_001354902.2); c.1384T>A, p.Leu462Met (NM_001354903.2, NM_001407458.1, NM_001407459.1 and 1 more transcripts); c.1309T>A, p.Leu437Met (NM_001354904.2); c.1207T>A, p.Leu403Met (NM_001354905.2); c.838T>A, p.Leu280Met (NM_001354906.2, NM_001407470.1); c.1771T>A, p.Leu591Met (NM_001407446.1); c.1741T>A, p.Leu581Met (NM_001407447.1, NM_001407448.1, NM_001407449.1 and 1 more transcripts); and 11 more; short protein forms L179M, L280M, L403M, L434M, L437M, L462M, L472M, L480M.
Identifiers: ClinVar variation 4756469 (VCV004756469.1).

ClinVar aggregate classification (germline): Uncertain significance (1 of 4 stars; one submission).

Conditions:
Hereditary cancer-predisposing syndrome. Also called: Tumor predisposition; Hereditary Cancer Syndrome; Neoplastic Syndromes, Hereditary; Hereditary neoplastic syndrome. Identifiers: Orphanet 140162, MedGen C0027672, MeSH D009386, MONDO:0015356.

Submission:

Color Diagnostics, LLC DBA Color Health
Classification: Uncertain significance for Hereditary cancer-predisposing syndrome. Last evaluated: 2025-09-23. Review status: criteria provided, single submitter. Criteria: ACMG Guidelines, 2015. Collection method: clinical testing. Allele origin: germline.
Comment: This missense variant replaces leucine with methionine at codon 563 of the APC protein. Computational prediction is inconclusive regarding the impact of this variant on protein structure and function. APC is defined as a gene for which primarily truncating variants are known to cause disease (ClinGen HCCP VCEP). To our knowledge, functional studies have not been reported for this variant. This variant has not been reported in individuals affected with APC-related disorders in the literature. This variant has not been identified in the general population by the Genome Aggregation Database (gnomAD). The available evidence is insufficient to determine the role of this variant in disease conclusively. Therefore, this variant is classified as a Variant of Uncertain Significance.